The following is an entry in ClinVar:

NM_000052.7(ATP7A):c.4330T>A (p.Ser1444Thr)

Gene: ATP7A (ATPase copper transporting alpha; plus strand). Cytogenetic location: Xq21.1.
Variant type: single nucleotide variant.
Coding change: c.4330T>A on transcript NM_000052.7 (MANE Select); coding-DNA position 4330, T replaced by A.
Protein change: p.Ser1444Thr; replaces serine 1444 with threonine.
Molecular consequence: missense variant. On other transcripts: non-coding transcript variant (1).
Genome position (GRCh38, 1-based): chrX:78,046,397, T>A. VCF-style: chrX-78046397-T-A. GRCh37 (hg19) VCF-style: chrX-77301894-T-A.
Other names: c.4096T>A, p.Ser1366Thr (NM_001282224.2); short protein forms S1366T, S1444T.
Identifiers: ClinVar variation 2428242 (VCV002428242.4), dbSNP rs2522427606, ClinGen allele CA413606188.

ClinVar aggregate classification (germline): Uncertain significance (1 of 4 stars; one submission).

Conditions:
X-linked distal spinal muscular atrophy type 3. Also called: ATP7A-Related Distal Motor Neuropathy; NEURONOPATHY, DISTAL HEREDITARY MOTOR, X-LINKED; NEUROPATHY, DISTAL HEREDITARY MOTOR, X-LINKED; SPINAL MUSCULAR ATROPHY, DISTAL, X-LINKED RECESSIVE. Identifiers: Orphanet 139557, MedGen C1845359, MONDO:0010338, OMIM 300489.
Cutis laxa, X-linked (OHS). Also called: EDS IX; Occipital horn syndrome. Identifiers: Orphanet 198, MedGen C0268353, MONDO:0010572, OMIM 304150.
Menkes kinky-hair syndrome (MNK). Also called: Classic Menkes Disease; Copper transport disease; Menkes Disease. Identifiers: Orphanet 565, MedGen C0022716, MONDO:0010651, OMIM 309400.

Allele frequency attached by ClinVar (database versions not stated): gnomAD exomes below 0.00001.
gnomAD v4.1: 2 of 1,211,513 alleles (0.00017%); highest among the groups gnomAD compares: East Asian, 0.003%; no homozygotes.

Submission:

Labcorp Genetics (formerly Invitae), Labcorp
Classification: Uncertain significance for X-linked distal spinal muscular atrophy type 3; Cutis laxa, X-linked; Menkes kinky-hair syndrome. Last evaluated: 2022-06-07. Review status: criteria provided, single submitter. Criteria: Invitae Variant Classification Sherloc (09022015). Collection method: clinical testing. Allele origin: germline.
Comment: This sequence change replaces serine, which is neutral and polar, with threonine, which is neutral and polar, at codon 1444 of the ATP7A protein (p.Ser1444Thr). This variant is not present in population databases (gnomAD no frequency). This variant has not been reported in the literature in individuals affected with ATP7A-related conditions. Advanced modeling of protein sequence and biophysical properties (such as structural, functional, and spatial information, amino acid conservation, physicochemical variation, residue mobility, and thermodynamic stability) performed at Invitae indicates that this missense variant is not expected to disrupt ATP7A protein function. In summary, the available evidence is currently insufficient to determine the role of this variant in disease. Therefore, it has been classified as a Variant of Uncertain Significance.